The following is an entry in ClinVar:

ClinVar aggregate classification (germline): Uncertain significance (1 of 4 stars; one submission).

Conditions:
Idiopathic generalized epilepsy. Also called: Generalised epilepsy; EIG. Identifiers: MedGen C0270850, MONDO:0005579, OMIM 600669.
Hyperaldosteronism, familial, type IV (HALD4). Also called: FH IV; ALDOSTERONISM, PRIMARY, AND HYPERTENSION. Identifiers: Orphanet 642671, MedGen C4310756, MONDO:0014875, OMIM 617027.

gnomAD v4.1: 1 of 1,593,220 alleles (0.000063%); highest among the groups gnomAD compares: Non-Finnish European, 0.000085%; no homozygotes.

Submission:

Labcorp Genetics (formerly Invitae), Labcorp
Classification: Uncertain significance for Idiopathic generalized epilepsy; Hyperaldosteronism, familial, type IV. Last evaluated: 2022-02-02. Review status: criteria provided, single submitter. Criteria: Invitae Variant Classification Sherloc (09022015). Collection method: clinical testing. Allele origin: germline.
Comment: In summary, the available evidence is currently insufficient to determine the role of this variant in disease. Therefore, it has been classified as a Variant of Uncertain Significance. Algorithms developed to predict the effect of missense changes on protein structure and function are either unavailable or do not agree on the potential impact of this missense change (SIFT: "Deleterious"; PolyPhen-2: "Probably Damaging"; Align-GVGD: "Class C0"). This variant has not been reported in the literature in individuals affected with CACNA1H-related conditions. This variant is not present in population databases (gnomAD no frequency). This sequence change replaces leucine, which is neutral and non-polar, with phenylalanine, which is neutral and non-polar, at codon 936 of the CACNA1H protein (p.Leu936Phe).

NM_021098.3(CACNA1H):c.2806C>T (p.Leu936Phe)

Gene: CACNA1H (calcium voltage-gated channel subunit alpha1 H; plus strand). Cytogenetic location: 16p13.3.
Variant type: single nucleotide variant.
Coding change: c.2806C>T on transcript NM_021098.3 (MANE Select); coding-DNA position 2806, C replaced by T.
Protein change: p.Leu936Phe; replaces leucine 936 with phenylalanine.
Molecular consequence: missense variant.
Genome position (GRCh38, 1-based): chr16:1,207,017, C>T. VCF-style: chr16-1207017-C-T. GRCh37 (hg19) VCF-style: chr16-1257017-C-T.
Other names: c.2806C>T, p.Leu936Phe (NM_001005407.2); short protein forms L936F.
Identifiers: ClinVar variation 1384022 (VCV001384022.8), dbSNP rs1471872554, ClinGen allele CA394169993.
Genomic context (GRCh38, chr16:1,207,017, plus strand): 5'-CACCCCTGCCTCCACCCTCAACACGCCCCTGCCCCCACCCTCAGCATCCTGGGCATGCAC[C>T]TTTTCGGCTGCAAGTTCAGCCTGAAGACAGACACCGGAGACACCGTGCCTGACAGGAAGA-3'
Protein context (NP_066921.2, residues 926-946): IFIFSILGMH[Leu936Phe]FGCKFSLKTD